The following is an entry in ClinVar:

ClinVar aggregate classification (germline): Likely benign. Review status: criteria provided, multiple submitters, no conflicts (2 of 4 stars). 2 submissions from 2 submitters: Likely benign (2). Last evaluated 2018-01-13.

Conditions:
Combined immunodeficiency due to ZAP70 deficiency (IMD48). Also called: Immunodeficiency 48; ZAP70 Deficiency. Identifiers: Orphanet 911, MedGen C2931299, MONDO:0010023, OMIM 269840.

Allele frequency attached by ClinVar (database versions not stated): gnomAD 0.00076; TOPMed 0.00115; 1000 Genomes Project 30x 0.00156; 1000 Genomes Project 0.00180.

Submissions (2):

Illumina Laboratory Services, Illumina
Classification: Likely benign for Combined immunodeficiency due to ZAP70 deficiency. Last evaluated: 2018-01-13. Review status: criteria provided, single submitter. Criteria: ICSL Variant Classification Criteria 13 December 2019. Collection method: clinical testing. Allele origin: germline.
Comment: This variant was observed in the ICSL laboratory as part of a predisposition screen in an ostensibly healthy population. It had not been previously curated by ICSL or reported in the Human Gene Mutation Database (HGMD: prior to June 1st, 2018), and was therefore a candidate for classification through an automated scoring system. Utilizing variant allele frequency, disease prevalence and penetrance estimates, and inheritance mode, an automated score was calculated to assess if this variant is too frequent to cause the disease. Based on the score and internal cut-off values, a variant classified as likely benign is not then subjected to further curation. The score for this variant resulted in a classification of likely benign for this disease.

Breakthrough Genomics
Classification: Likely benign. Review status: criteria provided, single submitter. Criteria: ACMG Guidelines, 2015. Collection method: not provided. Allele origin: germline. Inheritance: Autosomal recessive inheritance. Affected: yes.

NM_001079.4(ZAP70):c.-177C>A

Gene: ZAP70 (zeta chain of T cell receptor associated protein kinase 70; plus strand). Cytogenetic location: 2q11.2.
Variant type: single nucleotide variant.
Coding change: c.-177C>A on transcript NM_001079.4 (MANE Select); 177 bases upstream of the start codon, C replaced by A.
Molecular consequence: 5 prime UTR variant.
Genome position (GRCh38, 1-based): chr2:97,713,598, C>A. VCF-style: chr2-97713598-C-A. GRCh37 (hg19) VCF-style: chr2-98330061-C-A.
Identifiers: ClinVar variation 337621 (VCV000337621.6), dbSNP rs56408911, ClinGen allele CA10616495.